The following is an entry in ClinVar:

ClinVar aggregate classification (germline): Uncertain significance (1 of 4 stars; one submission).

Conditions:
Developmental and epileptic encephalopathy, 9 (DEE9). Also called: Early infantile epileptic encephalopathy 9; JUBERG-HELLMAN SYNDROME; PCDH19-Related X-Linked Female-Limited Epilepsy with Mental Retardation; EPILEPSY, FEMALE-RESTRICTED, WITH MENTAL RETARDATION. Identifiers: Orphanet 101039, Orphanet 2076, MedGen C1848137, MONDO:0010246, OMIM 300088. Disease mechanism: loss of function.

Allele frequency attached by ClinVar (database versions not stated): gnomAD exomes below 0.00001 and 0.00001; ExAC 0.00001.
gnomAD v4.1: 6 of 1,209,663 alleles (0.0005%); highest among the groups gnomAD compares: African/African-American, 0.0052%; no homozygotes.

Submission:

Labcorp Genetics (formerly Invitae), Labcorp
Classification: Uncertain significance for Developmental and epileptic encephalopathy, 9. Last evaluated: 2023-05-09. Review status: criteria provided, single submitter. Criteria: Invitae Variant Classification Sherloc (09022015). Collection method: clinical testing. Allele origin: germline.
Comment: This sequence change replaces methionine, which is neutral and non-polar, with valine, which is neutral and non-polar, at codon 672 of the PCDH19 protein (p.Met672Val). This variant is present in population databases (rs749714492, gnomAD 0.005%). This variant has not been reported in the literature in individuals affected with PCDH19-related conditions. ClinVar contains an entry for this variant (Variation ID: 971618). Advanced modeling of protein sequence and biophysical properties (such as structural, functional, and spatial information, amino acid conservation, physicochemical variation, residue mobility, and thermodynamic stability) performed at Invitae indicates that this missense variant is not expected to disrupt PCDH19 protein function. In summary, the available evidence is currently insufficient to determine the role of this variant in disease. Therefore, it has been classified as a Variant of Uncertain Significance.

NM_001184880.2(PCDH19):c.2014A>G (p.Met672Val)

Gene: PCDH19 (protocadherin 19; minus strand). Cytogenetic location: Xq22.1.
Variant type: single nucleotide variant.
Coding change: c.2014A>G on transcript NM_001184880.2 (MANE Select); coding-DNA position 2014, A replaced by G.
Protein change: p.Met672Val; replaces methionine 672 with valine.
Molecular consequence: missense variant.
Genome position (GRCh38, 1-based): chrX:100,406,584, T>C on the plus strand (A>G on the coding strand, the complement: PCDH19 is on the minus strand). VCF-style: chrX-100406584-T-C. GRCh37 (hg19) VCF-style: chrX-99661582-T-C.
Other names: c.2014A>G, p.Met672Val (NM_001105243.2, NM_020766.3); short protein forms M672V.
Identifiers: ClinVar variation 971618 (VCV000971618.10), dbSNP rs749714492, ClinGen allele CA10468822.